The following is an entry in ClinVar:

ClinVar aggregate classification (germline): Uncertain significance. Review status: criteria provided, multiple submitters, no conflicts (2 of 4 stars). 2 submissions from 2 submitters: Uncertain significance (2). Last evaluated 2021-08-31.

Conditions:
Intellectual developmental disorder, autosomal dominant 1. Also called: Intellectual disability, autosomal dominant 1; MBD5 Haploinsufficiency. Identifiers: Orphanet 228402, MedGen C1969562, MONDO:0007974, OMIM 156200.

Submissions (2):

Labcorp Genetics (formerly Invitae), Labcorp
Classification: Uncertain significance for Intellectual developmental disorder, autosomal dominant 1. Last evaluated: 2021-08-31. Review status: criteria provided, single submitter. Criteria: Invitae Variant Classification Sherloc (09022015). Collection method: clinical testing. Allele origin: germline.

Victorian Clinical Genetics Services, Murdoch Childrens Research Institute
Classification: Uncertain significance for Intellectual developmental disorder, autosomal dominant 1. Last evaluated: 2021-05-06. Review status: criteria provided, single submitter. Criteria: ACMG Guidelines, 2015. Collection method: clinical testing. Allele origin: germline. Inheritance: Autosomal dominant inheritance. Affected: yes.
Comment: Based on the classification scheme VCGS_Germline_v1.3.4, this variant is classified as VUS-3C. Following criteria are met: 0102 - Loss of function is a known mechanism of disease in this gene and is associated with intellectual disability (MIM#156200). (I) 0107 - This gene is associated with autosomal dominant disease. (I) 0112 - The condition associated with this gene has incomplete penetrance (GeneReview, PMID:23422940). (I) 0214 - In-frame deletion fully contained in a repetitive region that has moderate conservation. (I) 0251 - This variant is heterozygous. (I) 0301 - Variant is absent from gnomAD (both v2 and v3). However this repeat region is highly polymorphic with various missense changes at alternative proline residues. (SP) 0604 - Variant is not located in an established domain, motif, hotspot or informative constraint region. (I) 0705 - No comparable inflame deletion variants have previous evidence for pathogenicity. (I) 0804 - This variant has previously been described as a variant of uncertain significance in one case (ClinVar). (I) 0905 - No published segregation evidence has been identified for this variant. (I) 1007 - No published functional evidence has been identified for this variant. (I) Legend: (SP) - Supporting pathogenic, (I) - Information, (SB) - Supporting benign

Literature cited by the submitters: PubMed 23422940 (cited by Victorian Clinical Genetics Services, Murdoch Childrens Research Institute).

NM_001378120.1(MBD5):c.1017TCC[1] (p.Pro342del)

Gene: MBD5 (methyl-CpG binding domain protein 5; plus strand). Cytogenetic location: 2q23.1.
Variant type: Microsatellite.
Coding change: c.1017TCC[1] on transcript NM_001378120.1 (MANE Select); one copy of the 3-base unit TCC starting at c.1017; the reference has two copies in a row; one copy, 3 bases deleted.
Protein change: p.Pro342del; deletes proline 342.
Molecular consequence: inframe deletion.
Genome position (GRCh38, 1-based): chr2:148,468,963-148,468,965, TCC deleted; deleting any 3 consecutive bases within chr2:148,468,958-148,468,965 gives the same sequence; the position shown is the placement nearest the transcript's 3' end. VCF-style (leftmost placement, unchanged base first): chr2-148468957-CCCT-C. GRCh37 (hg19) VCF-style: chr2-149226526-CCCT-C.
Other names: c.1020_1022delTCC (NM_018328.4); c.1017TCC[1], p.Pro342del (NM_018328.5); short protein forms P342del.
Identifiers: ClinVar variation 835318 (VCV000835318.6), dbSNP rs1388983985, ClinGen allele CA537029365.
Genomic context (GRCh38, chr2:148,468,957, plus strand): 5'-AACTAATATGGAAATACCACGAGCAATGTTCCACCACAAACCACCCCAAGGCCCACCTCC[CCCT>C]CCTCCACCTTCTTGTGCTCTTCAGAAAAAGCCATTAACATCTGAGAAAGATCCACTTGGC-3'